The following is an entry in ClinVar:

NM_000747.3(CHRNB1):c.963C>G (p.Phe321Leu)

Gene: CHRNB1 (cholinergic receptor nicotinic beta 1 subunit; plus strand). Cytogenetic location: 17p13.1.
Variant type: single nucleotide variant.
Coding change: c.963C>G on transcript NM_000747.3 (MANE Select); coding-DNA position 963, C replaced by G.
Protein change: p.Phe321Leu; replaces phenylalanine 321 with leucine.
Molecular consequence: missense variant.
Genome position (GRCh38, 1-based): chr17:7,454,439, C>G. VCF-style: chr17-7454439-C-G. GRCh37 (hg19) VCF-style: chr17-7357758-C-G.
Other names: short protein forms F321L.
Identifiers: ClinVar variation 1940991 (VCV001940991.6), dbSNP rs750396330, ClinGen allele CA8347924.

ClinVar aggregate classification (germline): Uncertain significance. Review status: criteria provided, multiple submitters, no conflicts (2 of 4 stars). 2 submissions from 2 submitters: Uncertain significance (2). Last evaluated 2025-11-27.

Conditions:
Inborn genetic diseases. Identifiers: MedGen C0950123, MeSH D030342.
Congenital myasthenic syndrome 2A. Also called: Myasthenic syndrome, congenital, 2a, slow-channel. Identifiers: Orphanet 590, MedGen C4225374, MONDO:0014581, OMIM 616313.

Allele frequency attached by ClinVar (database versions not stated): gnomAD exomes below 0.00001; ExAC 0.00002; gnomAD 0.00007; TOPMed 0.00010.
gnomAD v4.1: 19 of 1,614,012 alleles (0.0012%); highest among the groups gnomAD compares: African/African-American, 0.024%; no homozygotes.

Submissions (2):

Labcorp Genetics (formerly Invitae), Labcorp
Classification: Uncertain significance for Congenital myasthenic syndrome 2A. Last evaluated: 2025-11-27. Review status: criteria provided, single submitter. Criteria: Invitae Variant Classification Sherloc (09022015). Collection method: clinical testing. Allele origin: germline.
Comment: This sequence change replaces phenylalanine, which is neutral and non-polar, with leucine, which is neutral and non-polar, at codon 321 of the CHRNB1 protein (p.Phe321Leu). This variant is present in population databases (rs750396330, gnomAD 0.02%). This variant has not been reported in the literature in individuals affected with CHRNB1-related conditions. ClinVar contains an entry for this variant (Variation ID: 1940991). Invitae Evidence Modeling of protein sequence and biophysical properties (such as structural, functional, and spatial information, amino acid conservation, physicochemical variation, residue mobility, and thermodynamic stability) indicates that this missense variant is not expected to disrupt CHRNB1 protein function with a negative predictive value of 80%. In summary, the available evidence is currently insufficient to determine the role of this variant in disease. Therefore, it has been classified as a Variant of Uncertain Significance.

Ambry Genetics
Classification: Uncertain significance for Inborn genetic diseases. Last evaluated: 2022-07-12. Review status: criteria provided, single submitter. Criteria: Ambry Variant Classification Scheme 2023. Collection method: clinical testing. Allele origin: germline.